The following is an entry in ClinVar:

ClinVar aggregate classification (germline): Uncertain significance (1 of 4 stars; one submission).

Conditions:
Neuropathy, hereditary sensory, type 1F. Also called: Hereditary sensory neuropathy type IF; HSN IF. Identifiers: Orphanet 36386, MedGen C3810194, MONDO:0014286, OMIM 615632.

Submission:

Labcorp Genetics (formerly Invitae), Labcorp
Classification: Uncertain significance for Neuropathy, hereditary sensory, type 1F. Last evaluated: 2024-12-17. Review status: criteria provided, single submitter. Criteria: Invitae Variant Classification Sherloc (09022015). Collection method: clinical testing. Allele origin: germline.
Comment: This sequence change replaces glycine, which is neutral and non-polar, with arginine, which is basic and polar, at codon 228 of the ATL3 protein (p.Gly228Arg). This variant is not present in population databases (gnomAD no frequency). This variant has not been reported in the literature in individuals affected with ATL3-related conditions. Invitae Evidence Modeling of protein sequence and biophysical properties (such as structural, functional, and spatial information, amino acid conservation, physicochemical variation, residue mobility, and thermodynamic stability) indicates that this missense variant is expected to disrupt ATL3 protein function with a positive predictive value of 80%. In summary, the available evidence is currently insufficient to determine the role of this variant in disease. Therefore, it has been classified as a Variant of Uncertain Significance.

NM_015459.5(ATL3):c.682G>A (p.Gly228Arg)

Genes: ATL3 (atlastin GTPase 3; minus strand), LNCROPM (lncRNA regulator of PLAAT3 mediated phospholipid metabolism; plus strand). Cytogenetic location: 11q13.1.
Variant type: single nucleotide variant.
Coding change: c.682G>A on transcript NM_015459.5 (MANE Select); coding-DNA position 682, G replaced by A.
Protein change: p.Gly228Arg; replaces glycine 228 with arginine.
Molecular consequence: missense variant.
Genome position (GRCh38, 1-based): chr11:63,644,198, C>T on the plus strand (G>A on the coding strand, the complement: ATL3 is on the minus strand). VCF-style: chr11-63644198-C-T. GRCh37 (hg19) VCF-style: chr11-63411670-C-T.
Other names: c.628G>A, p.Gly210Arg (NM_001290048.2); short protein forms G210R, G228R.
Identifiers: ClinVar variation 3634620 (VCV003634620.2).